The following is an entry in ClinVar:

ClinVar aggregate classification (germline): Uncertain significance. Review status: criteria provided, multiple submitters, no conflicts (2 of 4 stars). 2 submissions from 2 submitters: Uncertain significance (2). Last evaluated 2025-06-12.

Allele frequency attached by ClinVar (database versions not stated): gnomAD 0.00002; TOPMed 0.00004.
gnomAD v4.1: 4 of 1,576,688 alleles (0.00025%); highest among the groups gnomAD compares: African/African-American, 0.0054%; no homozygotes.

Submissions (2):

Labcorp Genetics (formerly Invitae), Labcorp
Classification: Uncertain significance. Last evaluated: 2025-06-12. Review status: criteria provided, single submitter. Criteria: Invitae Variant Classification Sherloc (09022015). Collection method: clinical testing. Allele origin: germline.
Comment: This sequence change replaces glutamic acid, which is acidic and polar, with aspartic acid, which is acidic and polar, at codon 534 of the FBN3 protein (p.Glu534Asp). This variant is not present in population databases (gnomAD no frequency). This variant has not been reported in the literature in individuals affected with FBN3-related conditions. ClinVar contains an entry for this variant (Variation ID: 1950341). Invitae Evidence Modeling of protein sequence and biophysical properties (such as structural, functional, and spatial information, amino acid conservation, physicochemical variation, residue mobility, and thermodynamic stability) indicates that this missense variant is expected to disrupt FBN3 protein function with a positive predictive value of 80%. In summary, the available evidence is currently insufficient to determine the role of this variant in disease. Therefore, it has been classified as a Variant of Uncertain Significance.

Ambry Genetics
Classification: Uncertain significance. Last evaluated: 2023-10-05. Review status: criteria provided, single submitter. Criteria: Ambry Variant Classification Scheme 2023. Collection method: clinical testing. Allele origin: germline.

NM_032447.5(FBN3):c.1602G>T (p.Glu534Asp)

Gene: FBN3 (fibrillin 3; minus strand). Cytogenetic location: 19p13.2.
Variant type: single nucleotide variant.
Coding change: c.1602G>T on transcript NM_032447.5 (MANE Select); coding-DNA position 1602, G replaced by T.
Protein change: p.Glu534Asp; replaces glutamic acid 534 with aspartic acid.
Molecular consequence: missense variant.
Genome position (GRCh38, 1-based): chr19:8,133,096, C>A on the plus strand (G>T on the coding strand, the complement: FBN3 is on the minus strand). VCF-style: chr19-8133096-C-A. GRCh37 (hg19) VCF-style: chr19-8197980-C-A.
Other names: c.1602G>T, p.Glu534Asp (NM_001321431.2); c.1602G>T (NM_032447.3); short protein forms E534D.
Identifiers: ClinVar variation 1950341 (VCV001950341.6), dbSNP rs796753804, ClinGen allele CA304950984.
Genomic context (GRCh38, chr19:8,133,096, plus strand): 5'-GGAGAAGCTGCCATCCTCGTTGAGACACACGCCGTTGACGCACATGGTGCTGGTGGCACA[C>A]TCGTTGTGGTCTGGGGACAACAGCAGAGGCTGGGTCCAGGCAGGGACCACACTGGGACCC-3'
Protein context (NP_115823.3, residues 524-544): PDGKNCVDHN[Glu534Asp]CATSTMCVNG